The following is an entry in ClinVar:

NM_203447.4(DOCK8):c.623A>G (p.Lys208Arg)

Gene: DOCK8 (dedicator of cytokinesis 8; plus strand). Cytogenetic location: 9p24.3.
Variant type: single nucleotide variant.
Coding change: c.623A>G on transcript NM_203447.4 (MANE Select); coding-DNA position 623, A replaced by G.
Protein change: p.Lys208Arg; replaces lysine 208 with arginine.
Molecular consequence: missense variant.
Genome position (GRCh38, 1-based): chr9:312,048, A>G. VCF-style: chr9-312048-A-G. GRCh37 (hg19) VCF-style: chr9-312048-A-G.
Other names: p.Lys208Arg; c.419A>G, p.Lys140Arg (NM_001190458.2, NM_001193536.2); short protein forms K208R, K140R.
Identifiers: ClinVar variation 536598 (VCV000536598.7), dbSNP rs377430634, ClinGen allele CA4957337.

ClinVar aggregate classification (germline): Uncertain significance. Review status: criteria provided, multiple submitters, no conflicts (2 of 4 stars). 2 submissions from 2 submitters: Uncertain significance (2). Last evaluated 2023-09-18.

Conditions:
Combined immunodeficiency due to DOCK8 deficiency (HIES2). Also called: HIES autosomal recessive; HYPER-IgE RECURRENT INFECTION SYNDROME 2, AUTOSOMAL RECESSIVE; Hyper-IgE recurrent infection syndrome, autosomal recessive; HYPER-IgE SYNDROME 2, AUTOSOMAL RECESSIVE, WITH RECURRENT INFECTIONS; DOCK8 Deficiency. Identifiers: Orphanet 217390, MedGen C4722305, MONDO:0009478, OMIM 243700.

Allele frequency attached by ClinVar (database versions not stated): gnomAD exomes 0.00001; gnomAD 0.00003; TOPMed 0.00003; ESP Exome Variant Server 0.00008.
gnomAD v4.1: 24 of 1,614,082 alleles (0.0015%); highest among the groups gnomAD compares: South Asian, 0.018%; no homozygotes.

Submissions (2):

Mayo Clinic Laboratories, Mayo Clinic
Classification: Uncertain significance. Last evaluated: 2023-09-18. Review status: criteria provided, single submitter. Criteria: ACMG Guidelines, 2015. Collection method: clinical testing. Allele origin: germline. Observed: 1 variant allele.
Comment: BP4

Labcorp Genetics (formerly Invitae), Labcorp
Classification: Uncertain significance for Combined immunodeficiency due to DOCK8 deficiency. Last evaluated: 2021-09-01. Review status: criteria provided, single submitter. Criteria: Invitae Variant Classification Sherloc (09022015). Collection method: clinical testing. Allele origin: germline.
Comment: This sequence change replaces lysine with arginine at codon 208 of the DOCK8 protein (p.Lys208Arg). The lysine residue is weakly conserved and there is a small physicochemical difference between lysine and arginine. This variant is present in population databases (rs377430634, ExAC 0.02%). This variant has not been reported in the literature in individuals affected with DOCK8-related conditions. Algorithms developed to predict the effect of missense changes on protein structure and function (SIFT, PolyPhen-2, Align-GVGD) all suggest that this variant is likely to be tolerated. In summary, the available evidence is currently insufficient to determine the role of this variant in disease. Therefore, it has been classified as a Variant of Uncertain Significance.